The following is an entry in ClinVar:

ClinVar aggregate classification (germline): Uncertain significance (1 of 4 stars; one submission).

Conditions:
Cardiovascular phenotype. Identifiers: MedGen CN230736.

Submission:

Ambry Genetics
Classification: Uncertain significance for Cardiovascular phenotype. Last evaluated: 2026-08-29. Review status: criteria provided, single submitter. Criteria: Ambry Variant Classification Scheme 2023. Collection method: clinical testing. Allele origin: germline.
Comment: The p.E223K variant (also known as c.667G>A), located in coding exon 7 of the TPM1 gene, results from a G to A substitution at nucleotide position 667. The glutamic acid at codon 223 is replaced by lysine, an amino acid with similar properties. This amino acid position is conserved. In addition, this alteration is predicted to be deleterious by in silico analysis. Based on the available evidence, the clinical significance of this variant remains unclear.

NM_001018005.2(TPM1):c.667G>A (p.Glu223Lys)

Gene: TPM1 (tropomyosin 1; plus strand). Cytogenetic location: 15q22.2.
Variant type: single nucleotide variant.
Coding change: c.667G>A on transcript NM_001018005.2 (MANE Select); coding-DNA position 667, G replaced by A.
Protein change: p.Glu223Lys; replaces glutamic acid 223 with lysine.
Molecular consequence: missense variant. On other transcripts: non-coding transcript variant (17).
Genome position (GRCh38, 1-based): chr15:63,062,242, G>A. VCF-style: chr15-63062242-G-A. GRCh37 (hg19) VCF-style: chr15-63354441-G-A.
Other names: c.667G>A, p.Glu223Lys (NM_001407332.1, NM_001407333.1, NM_001407334.1 and 20 more transcripts); c.559G>A, p.Glu187Lys (NM_001407340.1, NM_001407341.1, NM_001407342.1 and 9 more transcripts); c.793G>A, p.Glu265Lys (NM_001407323.1, NM_001407324.1, NM_001365778.1 and 1 more transcripts); short protein forms E223K, E265K, E187K.
Identifiers: ClinVar variation 5031081 (VCV005031081.1).